The following is an entry in ClinVar:

ClinVar aggregate classification (germline): Uncertain significance (1 of 4 stars; one submission).

Submission:

Labcorp Genetics (formerly Invitae), Labcorp
Classification: Uncertain significance. Last evaluated: 2022-05-17. Review status: criteria provided, single submitter. Criteria: Invitae Variant Classification Sherloc (09022015). Collection method: clinical testing. Allele origin: germline.
Comment: Advanced modeling of protein sequence and biophysical properties (such as structural, functional, and spatial information, amino acid conservation, physicochemical variation, residue mobility, and thermodynamic stability) performed at Invitae indicates that this missense variant is not expected to disrupt CLCNKB protein function. This variant has not been reported in the literature in individuals affected with CLCNKB-related conditions. This variant is not present in population databases (gnomAD no frequency). This sequence change replaces glutamic acid, which is acidic and polar, with glutamine, which is neutral and polar, at codon 84 of the CLCNKB protein (p.Glu84Gln). In summary, the available evidence is currently insufficient to determine the role of this variant in disease. Therefore, it has been classified as a Variant of Uncertain Significance.

NM_000085.5(CLCNKB):c.250G>C (p.Glu84Gln)

Genes: CLCNKB (chloride voltage-gated channel Kb; plus strand), LOC106501713 (CLCNKB recombination region; plus strand). Cytogenetic location: 1p36.13.
Variant type: single nucleotide variant.
Coding change: c.250G>C on transcript NM_000085.5 (MANE Select); coding-DNA position 250, G replaced by C.
Protein change: p.Glu84Gln; replaces glutamic acid 84 with glutamine.
Molecular consequence: missense variant.
Genome position (GRCh38, 1-based): chr1:16,046,555, G>C. VCF-style: chr1-16046555-G-C. GRCh37 (hg19) VCF-style: chr1-16373050-G-C.
Other names: short protein forms E84Q.
Identifiers: ClinVar variation 1986670 (VCV001986670.4), dbSNP rs1557466696, ClinGen allele CA338631781.
Genomic context (GRCh38, chr1:16,046,555, plus strand): 5'-AGAGGCTGTGGGTGCCTCCCTGATACCCGGCTGTCCCCAGCGCACCAGTGGCTGTACAGG[G>C]AGATTGGGGACAGCCACCTGCTCCGGTATCTCTCCTGGACTGTGTACCCTGTGGCCCTCG-3'
Protein context (NP_000076.2, residues 74-94): VVRAHQWLYR[Glu84Gln]IGDSHLLRYL